The following is an entry in ClinVar:

NM_001369.3(DNAH5):c.7500_7503del (p.Arg2501fs)

Gene: DNAH5 (dynein axonemal heavy chain 5; minus strand). Cytogenetic location: 5p15.2.
Variant type: Microsatellite.
Coding change: c.7500_7503del on transcript NM_001369.3 (MANE Select); coding-DNA positions 7500 to 7503, 4 bases deleted (ACGG; older notation c.7500_7503delACGG).
Protein change: p.Arg2501fs; shifts the reading frame from arginine 2501.
Molecular consequence: frameshift variant.
Genome position (GRCh38, 1-based): chr5:13,810,165-13,810,168, CCGT deleted on the plus strand (ACGG on the coding strand, the reverse complement: DNAH5 is on the minus strand); deleting any 4 consecutive bases within chr5:13,810,165-13,810,174 gives the same sequence; the c. name uses the placement nearest the transcript's 3' end. VCF-style (leftmost placement, unchanged base first): chr5-13810164-GCCGT-G. GRCh37 (hg19) VCF-style: chr5-13810273-GCCGT-G.
Other names: c.7500_7503delACGG (NM_001369.2); c.7500_7503del (NM_001369.2); short protein forms R2501fs.
Identifiers: ClinVar variation 842143 (VCV000842143.9), dbSNP rs1465499923, ClinGen allele CA804497408.
Genomic context (GRCh38, chr5:13,810,164, plus strand): 5'-CTGGCGGCGGCAGCTCCAGCGTCCCTGTGGGCCGAGAGCGCAGCCAGAGCTCCAGGCGGC[GCCGT>G]CCGTCCAGCTCCAGCGCCGCCCCCGCGCTCCACAGCAGCGCGAACACGAACAGCCGCCCC-3'

ClinVar aggregate classification (germline): Pathogenic/Likely pathogenic. Review status: criteria provided, multiple submitters, no conflicts (2 of 4 stars). 3 submissions from 3 submitters: Pathogenic (1); Likely pathogenic (2). Last evaluated 2024-04-24.

Conditions:
Primary ciliary dyskinesia. Also called: Ciliary dyskinesia. Identifiers: Orphanet 244, MedGen C0008780, MONDO:0016575, HP:0012265.
Primary ciliary dyskinesia 3. Identifiers: Orphanet 244, MedGen C1837618, MONDO:0012085, OMIM 608644.

Submissions (3):

Fulgent Genetics
Classification: Likely pathogenic for Primary ciliary dyskinesia 3. Last evaluated: 2024-04-24. Review status: criteria provided, single submitter. Criteria: ACMG Guidelines, 2015. Collection method: clinical testing. Allele origin: germline.

Natera, Inc.
Classification: Likely pathogenic for Primary ciliary dyskinesia. Last evaluated: 2024-03-25. Review status: criteria provided, single submitter. Criteria: Natera Variant Classification Schema (03/2026). Collection method: clinical testing. Allele origin: germline.
Comment: The c.7500_7503delACGG variant in DNAH5 is a frameshift variant predicted to shift the reading frame beginning at codon 2501 and leads to a stop codon 69 codons downstream. This variant is expected to result in nonsense mediated decay, truncation, or a dysfunctional protein product. This variant is rare in the general population with a frequency below the threshold expected for the associated phenotype(s). Given the available evidence, this variant is classified as Likely Pathogenic.

Labcorp Genetics (formerly Invitae), Labcorp
Classification: Pathogenic for Primary ciliary dyskinesia. Last evaluated: 2024-02-10. Review status: criteria provided, single submitter. Criteria: Invitae Variant Classification Sherloc (09022015). Collection method: clinical testing. Allele origin: germline.
Comment: This sequence change creates a premature translational stop signal (p.Arg2501Alafs*69) in the DNAH5 gene. It is expected to result in an absent or disrupted protein product. Loss-of-function variants in DNAH5 are known to be pathogenic (PMID: 11788826, 16627867). This variant is not present in population databases (gnomAD no frequency). This variant has not been reported in the literature in individuals affected with DNAH5-related conditions. ClinVar contains an entry for this variant (Variation ID: 842143). For these reasons, this variant has been classified as Pathogenic.

Literature cited by the submitters: PubMed 11788826 (cited by Labcorp Genetics (formerly Invitae), Labcorp); PubMed 16627867 (cited by Labcorp Genetics (formerly Invitae), Labcorp).